The following is an entry in ClinVar:

NM_020832.3(ZNF687):c.550C>T (p.Pro184Ser)

Gene: ZNF687 (zinc finger protein 687; plus strand). Cytogenetic location: 1q21.3.
Variant type: single nucleotide variant.
Coding change: c.550C>T on transcript NM_020832.3 (MANE Select); coding-DNA position 550, C replaced by T.
Protein change: p.Pro184Ser; replaces proline 184 with serine.
Molecular consequence: missense variant.
Genome position (GRCh38, 1-based): chr1:151,286,841, C>T. VCF-style: chr1-151286841-C-T. GRCh37 (hg19) VCF-style: chr1-151259317-C-T.
Other names: c.550C>T, p.Pro184Ser (NM_001304763.2, NM_001304764.2); c.550C>T (NM_020832.1); short protein forms P184S.
Identifiers: ClinVar variation 2026893 (VCV002026893.4), dbSNP rs374929018, ClinGen allele CA1088171.
Genomic context (GRCh38, chr1:151,286,841, plus strand): 5'-GCTCATTTTGGCCCTGAGCCAGGGGACCACTCAGATCCGCTGCCTCCCTCTGCACCCTCT[C>T]CCACTCGGGAGGGGGCTCTGACCCCGCCTCCTTTCCCCTCTTCCTTTGAGCTGGCCCAGG-3'
Protein context (NP_065883.1, residues 174-194): SDPLPPSAPS[Pro184Ser]TREGALTPPP

ClinVar aggregate classification (germline): Uncertain significance. Review status: criteria provided, multiple submitters, no conflicts (2 of 4 stars). 2 submissions from 2 submitters: Uncertain significance (2). Last evaluated 2025-03-05.

Allele frequency attached by ClinVar (database versions not stated): ExAC 0.00008; ESP Exome Variant Server 0.00008.

Submissions (2):

Labcorp Genetics (formerly Invitae), Labcorp
Classification: Uncertain significance. Last evaluated: 2025-03-05. Review status: criteria provided, single submitter. Criteria: Invitae Variant Classification Sherloc (09022015). Collection method: clinical testing. Allele origin: germline.
Comment: This sequence change replaces proline, which is neutral and non-polar, with serine, which is neutral and polar, at codon 184 of the ZNF687 protein (p.Pro184Ser). This variant is present in population databases (rs374929018, gnomAD 0.07%), and has an allele count higher than expected for a pathogenic variant. This variant has not been reported in the literature in individuals affected with ZNF687-related conditions. ClinVar contains an entry for this variant (Variation ID: 2026893). An algorithm developed to predict the effect of missense changes on protein structure and function (PolyPhen-2) suggests that this variant is likely to be tolerated. In summary, the available evidence is currently insufficient to determine the role of this variant in disease. Therefore, it has been classified as a Variant of Uncertain Significance.

Ambry Genetics
Classification: Uncertain significance. Last evaluated: 2024-11-24. Review status: criteria provided, single submitter. Criteria: Ambry Variant Classification Scheme 2023. Collection method: clinical testing. Allele origin: germline.